The following is an entry in ClinVar:

ClinVar aggregate classification (germline): Likely benign (1 of 4 stars; one submission).

Conditions:
Intellectual developmental disorder with dysmorphic facies and ptosis (IDDDFP). Identifiers: Orphanet 698090, MedGen C4310617, MONDO:0015022, OMIM 617333.

gnomAD v4.1: 31 of 1,614,182 alleles (0.0019%); highest among the groups gnomAD compares: South Asian, 0.033%; no homozygotes.

Submission:

Centre for Medical Genetics,  Mumbai
Classification: Likely benign for Intellectual developmental disorder with dysmorphic facies and ptosis. Last evaluated: 2026-05-07. Review status: criteria provided, single submitter. Criteria: ACMG Guidelines, 2015. Collection method: provider interpretation. Allele origin: germline. Inheritance: Autosomal dominant inheritance. Affected: no. Observed: 1 variant allele, 1 heterozygote.
Comment: The variant satisfies PM2 criteria - extremely low frequency in gnomAD population databases. The variant satisfies PP2 criteria - missense variant in a gene with low rate of benign missense mutations and for which missense mutation is a common mechanism of a disease. The variant satisfies BP4 criteria - for a missense or a splice region variant, computational prediction tools unanimously support a benign effect on the gene. However, the variant satisfies BS2 criteria - present in heterozygous state in an individual that clinically does not have intellectual developmental disorder with dysmorphic facies and ptosis.

Literature cited by the submitters: PubMed 27939640.

NM_001003694.2(BRPF1):c.2269C>T (p.His757Tyr)

Gene: BRPF1 (bromodomain and PHD finger containing 1; plus strand). Cytogenetic location: 3p25.3.
Variant type: single nucleotide variant.
Coding change: c.2269C>T on transcript NM_001003694.2 (MANE Select); coding-DNA position 2269, C replaced by T.
Protein change: p.His757Tyr; replaces histidine 757 with tyrosine.
Molecular consequence: missense variant. On other transcripts: non-coding transcript variant (1).
Genome position (GRCh38, 1-based): chr3:9,743,211, C>T. VCF-style: chr3-9743211-C-T. GRCh37 (hg19) VCF-style: chr3-9784895-C-T.
Other names: c.2251C>T, p.His751Tyr (NM_001319049.2, NM_001319050.2, NM_001437892.1 and 4 more transcripts); c.2269C>T, p.His757Tyr (NM_001410704.1, NM_001438344.1, NM_001438345.1); short protein forms H751Y, H757Y.
Identifiers: ClinVar variation 4852294 (VCV004852294.1).